The following is an entry in ClinVar:

NM_018117.12(WDR11):c.404T>A (p.Ile135Asn)

Gene: WDR11 (WD repeat domain 11; plus strand). Cytogenetic location: 10q26.12.
Variant type: single nucleotide variant.
Coding change: c.404T>A on transcript NM_018117.12 (MANE Select); coding-DNA position 404, T replaced by A.
Protein change: p.Ile135Asn; replaces isoleucine 135 with asparagine.
Molecular consequence: missense variant.
Genome position (GRCh38, 1-based): chr10:120,860,160, T>A. VCF-style: chr10-120860160-T-A. GRCh37 (hg19) VCF-style: chr10-122619672-T-A.
Other names: short protein forms I135N.
Identifiers: ClinVar variation 3366149 (VCV003366149.1).

ClinVar aggregate classification (germline): Uncertain significance (1 of 4 stars; one submission).

gnomAD v4.1: 21 of 1,614,170 alleles (0.0013%); highest among the groups gnomAD compares: Middle Eastern, 0.017%; no homozygotes.

Submission:

GeneDx
Classification: Uncertain significance. Last evaluated: 2023-10-19. Review status: criteria provided, single submitter. Criteria: GeneDx Variant Classification Process June 2021. Collection method: clinical testing. Allele origin: germline. Affected: yes.
Comment: In silico analysis supports that this missense variant has a deleterious effect on protein structure/function; Has not been previously published as pathogenic or benign to our knowledge